The following is an entry in ClinVar:

NM_000518.5(HBB):c.371_378del (p.Thr124fs)

Genes: HBB (hemoglobin subunit beta; minus strand), LOC107133510 (origin of replication at HBB; plus strand), LOC110006319 (beta-globin gene 3' regulatory region; plus strand). Cytogenetic location: 11p15.4.
Variant type: Deletion.
Coding change: c.371_378del on transcript NM_000518.5 (MANE Select); coding-DNA positions 371 to 378, 8 bases deleted (CCCCACCA; older notation c.371_378delCCCCACCA).
Protein change: p.Thr124fs; shifts the reading frame from threonine 124.
Molecular consequence: frameshift variant.
Genome position (GRCh38, 1-based): chr11:5,225,664-5,225,671, TGGTGGGG deleted on the plus strand (CCCCACCA on the coding strand, the reverse complement: HBB is on the minus strand); deleting any 8 consecutive bases within chr11:5,225,664-5,225,673 gives the same sequence; the c. name uses the placement nearest the transcript's 3' end. VCF-style (leftmost placement, unchanged base first): chr11-5225663-CTGGTGGGG-C. GRCh37 (hg19) VCF-style: chr11-5246893-CTGGTGGGG-C.
Other names: short protein forms T124fs.
Identifiers: ClinVar variation 495998 (VCV000495998.9), dbSNP rs1554917561, ClinGen allele CA658683671.

ClinVar aggregate classification (germline): Pathogenic. Review status: criteria provided, multiple submitters, no conflicts (2 of 4 stars). 2 submissions from 2 submitters: Pathogenic (2). Last evaluated 2019-01-30.

Conditions:
beta Thalassemia (BTHAL). Also called: Cooley's anemia; Erythroblastic anemia; Mediterranean anemia. Identifiers: Orphanet 848, MedGen C0005283, MONDO:0019402. Disease mechanism: loss of function.

Submissions (2):

ARUP Laboratories, Molecular Genetics and Genomics, ARUP Laboratories
Classification: Pathogenic. Last evaluated: 2019-01-30. Review status: criteria provided, single submitter. Criteria: ARUP Molecular Germline Variant Investigation Process. Collection method: clinical testing. Allele origin: germline.
Comment: The HBB: c.371_378delCCCCACCA; p.Thr124fs variant (known as Thr123fs when numbered from the mature protein) (rs1554917561), also known as Codons 123/124/125 (-ACCCCACC), is reported in the literature in several individuals affected with beta-thalassemia (Boonyawat 2014, Fucharoen 1991, HbVar database). Both affected individuals had inclusion bodies observed (Boonyawat 2014, Fucharoen 1991), and one individual with severe disease also carried a mild Hb E variant (Fucharoen 1991). This variant is absent from general population databases (Exome Variant Server, Genome Aggregation Database), indicating it is not a common polymorphism. This variant results in a frameshift and premature termination codon in the last exon of the HBB gene, which may not lead to nonsense-mediated decay but is expected to create a truncated HBB protein. Hemoglobin analysis of an affected individual with this variant indicated an absence of truncated protein, suggesting this variant is highly unstable (Fucharoen 1991). Based on available information, this variant is considered to be pathogenic. References: HbVar link to Codons 123/124/125: Boonyawat B et al. Molecular analysis of beta-globin gene mutations among Thai beta-thalassemia children: results from a single center study. Appl Clin Genet. 2014 Dec 10;7:253-8. Fucharoen G et al. Eight-base deletion in exon 3 of the beta-globin gene produced a novel variant (beta khon kaen) with an inclusion body beta-thalassemia trait. Blood. 1991 Jul 15;78(2):537-9.

Women's Health and Genetics/Laboratory Corporation of America, LabCorp
Classification: Pathogenic for beta Thalassemia. Last evaluated: 2017-01-05. Review status: criteria provided, single submitter. Criteria: LabCorp Variant Classification Summary - May 2015. Collection method: clinical testing. Allele origin: germline.
Comment: Variant summary: The HBB c.371_378delCCCCACCA (p.Thr124Serfs) variant results in a premature termination codon. The variant is reported as a dominant BTHAL-causing mutation in literature and in databases (and HbVar). This variant has not been observed in general population. No abnormal protein was detected in the patient, suggesting that this beta-globin variant is highly unstable and likely to be degraded soon after translation.

Literature cited by the submitters: PubMed 23525874 (cited by Women's Health and Genetics/Laboratory Corporation of America, LabCorp); PubMed 7558879 (cited by Women's Health and Genetics/Laboratory Corporation of America, LabCorp); PubMed 25525381 (cited by Women's Health and Genetics/Laboratory Corporation of America, LabCorp); PubMed 2070092 (cited by Women's Health and Genetics/Laboratory Corporation of America, LabCorp); PubMed 19460936 (cited by Women's Health and Genetics/Laboratory Corporation of America, LabCorp); PubMed 23637309 (cited by Women's Health and Genetics/Laboratory Corporation of America, LabCorp).